The following is an entry in ClinVar:

ClinVar aggregate classification (germline): Uncertain significance (1 of 4 stars; one submission).

Conditions:
Hereditary cancer-predisposing syndrome. Also called: Neoplastic Syndromes, Hereditary; Tumor predisposition; Hereditary Cancer Syndrome; Hereditary neoplastic syndrome. Identifiers: Orphanet 140162, MedGen C0027672, MeSH D009386, MONDO:0015356.

Submission:

Ambry Genetics
Classification: Uncertain significance for Hereditary cancer-predisposing syndrome. Last evaluated: 2025-12-15. Review status: criteria provided, single submitter. Criteria: Ambry Variant Classification Scheme 2023. Collection method: clinical testing. Allele origin: germline.
Comment: The p.T1079S variant (also known as c.3236C>G), located in coding exon 15 of the APC gene, results from a C to G substitution at nucleotide position 3236. The threonine at codon 1079 is replaced by serine, an amino acid with similar properties. This amino acid position is poorly conserved in available vertebrate species. In addition, in silico predictors for this gene do not accurately predict pathogenicity. Missense variants in APC are not a common cause of disease (Spier I et al. Genet Med. 2024 Feb;26(2):100992). Based on the available evidence, the clinical significance of this variant remains unclear.

NM_000038.6(APC):c.3236C>G (p.Thr1079Ser)

Gene: APC (APC regulator of Wnt signaling pathway; plus strand). Cytogenetic location: 5q22.2.
Variant type: single nucleotide variant.
Coding change: c.3236C>G on transcript NM_000038.6 (MANE Select); coding-DNA position 3236, C replaced by G.
Protein change: p.Thr1079Ser; replaces threonine 1079 with serine.
Molecular consequence: missense variant. On other transcripts: non-coding transcript variant (2).
Genome position (GRCh38, 1-based): chr5:112,838,830, C>G. VCF-style: chr5-112838830-C-G. GRCh37 (hg19) VCF-style: chr5-112174527-C-G.
Other names: c.2387C>G, p.Thr796Ser (NM_001407470.1, NM_001354906.2); c.2084C>G, p.Thr695Ser (NM_001407471.1, NM_001407472.1); c.3059C>G, p.Thr1020Ser (NM_001407453.1, NM_001354901.2); c.2987C>G, p.Thr996Ser (NM_001407454.1, NM_001407455.1, NM_001407456.1 and 1 more transcripts); c.2933C>G, p.Thr978Ser (NM_001407458.1, NM_001407459.1, NM_001407460.1 and 1 more transcripts); c.2849C>G, p.Thr950Ser (NM_001407467.1, NM_001407469.1); c.3290C>G, p.Thr1097Ser (NM_001407447.1, NM_001407448.1, NM_001407449.1 and 1 more transcripts); c.3236C>G, p.Thr1079Ser (NM_001407450.1, NM_001127510.3, NM_001354895.2); and 11 more; short protein forms T1038S, T1089S, T695S, T953S, T978S, T1054S, T1097S, T1107S.
Identifiers: ClinVar variation 4837401 (VCV004837401.1).